The following is an entry in ClinVar:

ClinVar aggregate classification (germline): Uncertain significance (1 of 4 stars; one submission).

Conditions:
Inborn genetic diseases. Identifiers: MedGen C0950123, MeSH D030342.

Submission:

Ambry Genetics
Classification: Uncertain significance for Inborn genetic diseases. Last evaluated: 2024-01-21. Review status: criteria provided, single submitter. Criteria: Ambry Variant Classification Scheme 2023. Collection method: clinical testing. Allele origin: germline.
Comment: The p.P595L variant (also known as c.1784C>T), located in coding exon 11 of the PIK3CA gene, results from a C to T substitution at nucleotide position 1784. The proline at codon 595 is replaced by leucine, an amino acid with similar properties. This amino acid position is conserved. In addition, this alteration is predicted to be deleterious by in silico analysis. Based on the available evidence, the clinical significance of this alteration remains unclear.

NM_006218.4(PIK3CA):c.1784C>T (p.Pro595Leu)

Gene: PIK3CA (phosphatidylinositol-4,5-bisphosphate 3-kinase catalytic subunit alpha; plus strand). Cytogenetic location: 3q26.32.
Variant type: single nucleotide variant.
Coding change: c.1784C>T on transcript NM_006218.4 (MANE Select); coding-DNA position 1784, C replaced by T.
Protein change: p.Pro595Leu; replaces proline 595 with leucine.
Molecular consequence: missense variant.
Genome position (GRCh38, 1-based): chr3:179,219,608, C>T. VCF-style: chr3-179219608-C-T. GRCh37 (hg19) VCF-style: chr3-178937396-C-T.
Other names: short protein forms P595L.
Identifiers: ClinVar variation 3225339 (VCV003225339.1), dbSNP rs2108410741, ClinGen allele CA355266034.